The following is an entry in ClinVar:

ClinVar aggregate classification (germline): Uncertain significance (1 of 4 stars; one submission).

Conditions:
Cardiovascular phenotype. Identifiers: MedGen CN230736.

Allele frequency attached by ClinVar (database versions not stated): TOPMed below 0.00001.
gnomAD v4.1: 6 of 1,613,894 alleles (0.00037%); highest among the groups gnomAD compares: Non-Finnish European, 0.00051%; no homozygotes.

Submission:

Ambry Genetics
Classification: Uncertain significance for Cardiovascular phenotype. Last evaluated: 2022-07-14. Review status: criteria provided, single submitter. Criteria: Ambry Variant Classification Scheme 2023. Collection method: clinical testing. Allele origin: germline.
Comment: The p.V3648A variant (also known as c.10943T>C), located in coding exon 26 of the APOB gene, results from a T to C substitution at nucleotide position 10943. The valine at codon 3648 is replaced by alanine, an amino acid with similar properties. This amino acid position is conserved. In addition, this alteration is predicted to be tolerated by in silico analysis. Since supporting evidence is limited at this time, the clinical significance of this alteration remains unclear.

NM_000384.3(APOB):c.10943T>C (p.Val3648Ala)

Gene: APOB (apolipoprotein B; minus strand). Cytogenetic location: 2p24.1.
Variant type: single nucleotide variant.
Coding change: c.10943T>C on transcript NM_000384.3 (MANE Select); coding-DNA position 10943, T replaced by C.
Protein change: p.Val3648Ala; replaces valine 3648 with alanine.
Molecular consequence: missense variant.
Genome position (GRCh38, 1-based): chr2:21,005,925, A>G on the plus strand (T>C on the coding strand, the complement: APOB is on the minus strand). VCF-style: chr2-21005925-A-G. GRCh37 (hg19) VCF-style: chr2-21228797-A-G.
Other names: short protein forms V3648A.
Identifiers: ClinVar variation 1790051 (VCV001790051.2), dbSNP rs1663123883, ClinGen allele CA345984387.